The following is an entry in ClinVar:

ClinVar aggregate classification (germline): Uncertain significance (1 of 4 stars; one submission).

Allele frequency attached by ClinVar (database versions not stated): gnomAD exomes below 0.00001.
gnomAD v4.1: 1 of 1,554,644 alleles (0.000064%); highest among the groups gnomAD compares: Non-Finnish European, 0.000087%; no homozygotes.

Submission:

Labcorp Genetics (formerly Invitae), Labcorp
Classification: Uncertain significance. Last evaluated: 2022-08-24. Review status: criteria provided, single submitter. Criteria: Invitae Variant Classification Sherloc (09022015). Collection method: clinical testing. Allele origin: germline.
Comment: This sequence change replaces glutamine, which is neutral and polar, with arginine, which is basic and polar, at codon 230 of the RASGRP1 protein (p.Gln230Arg). This variant is not present in population databases (gnomAD no frequency). This variant has not been reported in the literature in individuals affected with RASGRP1-related conditions. Algorithms developed to predict the effect of missense changes on protein structure and function (SIFT, PolyPhen-2, Align-GVGD) all suggest that this variant is likely to be tolerated. In summary, the available evidence is currently insufficient to determine the role of this variant in disease. Therefore, it has been classified as a Variant of Uncertain Significance.

NM_005739.4(RASGRP1):c.689A>G (p.Gln230Arg)

Gene: RASGRP1 (RAS guanyl releasing protein 1; minus strand). Cytogenetic location: 15q14.
Variant type: single nucleotide variant.
Coding change: c.689A>G on transcript NM_005739.4 (MANE Select); coding-DNA position 689, A replaced by G.
Protein change: p.Gln230Arg; replaces glutamine 230 with arginine.
Molecular consequence: missense variant.
Genome position (GRCh38, 1-based): chr15:38,512,943, T>C on the plus strand (A>G on the coding strand, the complement: RASGRP1 is on the minus strand). VCF-style: chr15-38512943-T-C. GRCh37 (hg19) VCF-style: chr15-38805144-T-C.
Other names: c.689A>G, p.Gln230Arg (NM_001128602.2, NM_001306086.2); short protein forms Q230R.
Identifiers: ClinVar variation 1714919 (VCV001714919.5), dbSNP rs2542902143, ClinGen allele CA391652004.
Genomic context (GRCh38, chr15:38,512,943, plus strand): 5'-AGAGCAATAGATCGCTCCATGGTGGGGTTTTCCTTCACACAGCTATTTACAAGGTAATTC[T>C]GATAATCAGAGAACTGCAGGAAAAGAAACAACAACAACAAAAAAAACCTATCAGTACTGT-3'
Protein context (NP_005730.2, residues 220-240): SFRRISFSDY[Gln230Arg]NYLVNSCVKE